The following is an entry in ClinVar:

NM_000823.4(GHRHR):c.115A>C (p.Ser39Arg)

Gene: GHRHR (growth hormone releasing hormone receptor; plus strand). Cytogenetic location: 7p14.3.
Variant type: single nucleotide variant.
Coding change: c.115A>C on transcript NM_000823.4 (MANE Select); coding-DNA position 115, A replaced by C.
Protein change: p.Ser39Arg; replaces serine 39 with arginine.
Molecular consequence: missense variant.
Genome position (GRCh38, 1-based): chr7:30,968,891, A>C. VCF-style: chr7-30968891-A-C. GRCh37 (hg19) VCF-style: chr7-31008506-A-C.
Other names: short protein forms S39R.
Identifiers: ClinVar variation 3710552 (VCV003710552.1).

ClinVar aggregate classification (germline): Uncertain significance (1 of 4 stars; one submission).

gnomAD v4.1: 17 of 1,613,738 alleles (0.0011%); highest among the groups gnomAD compares: Non-Finnish European, 0.0014%; no homozygotes.

Submission:

Labcorp Genetics (formerly Invitae), Labcorp
Classification: Uncertain significance. Last evaluated: 2024-07-23. Review status: criteria provided, single submitter. Criteria: Invitae Variant Classification Sherloc (09022015). Collection method: clinical testing. Allele origin: germline.
Comment: This sequence change replaces serine, which is neutral and polar, with arginine, which is basic and polar, at codon 39 of the GHRHR protein (p.Ser39Arg). This variant is not present in population databases (gnomAD no frequency). This variant has not been reported in the literature in individuals affected with GHRHR-related conditions. An algorithm developed to predict the effect of missense changes on protein structure and function outputs the following: PolyPhen-2: "Benign". The arginine amino acid residue is found in multiple mammalian species, which suggests that this missense change does not adversely affect protein function. In summary, the available evidence is currently insufficient to determine the role of this variant in disease. Therefore, it has been classified as a Variant of Uncertain Significance.